The following is an entry in ClinVar:

ClinVar aggregate classification (germline): Uncertain significance (1 of 4 stars; one submission).

Conditions:
Developmental delay, hypotonia, musculoskeletal defects, and behavioral abnormalities. Identifiers: MedGen C5562012, MONDO:0859202, OMIM 619595.

Submission:

Neuberg Centre For Genomic Medicine, NCGM
Classification: Uncertain significance for Developmental delay, hypotonia, musculoskeletal defects, and behavioral abnormalities. Last evaluated: 2023-05-20. Review status: criteria provided, single submitter. Criteria: ACMG Guidelines, 2015. Collection method: clinical testing. Allele origin: germline. Inheritance: Autosomal dominant inheritance. Affected: yes.
Comment: The observed missense variant c.7616C>T(p.Ser2539Leu) in SRCAP gene has not been reported previously as a pathogenic variant nor as a benign variant, to our knowledge. The c.7616C>T variant has 0.0004% allele frequency in gnomAD Exomes. The amino acid Serine at position 2539 is changed to a Leucine changing protein sequence and it might alter its composition and physico-chemical properties. Computational evidence (Polyphen, SIFT and Mutation Taster) predicts conflicting evidence on protein structure and function for this variant.The reference amino acid in SRCAP is predicted as conserved by GERP++ and PhyloP across 100 vertebrates. For these reasons, this variant has been classified as Uncertain Significance.

NM_006662.3(SRCAP):c.7616C>T (p.Ser2539Leu)

Gene: SRCAP (Snf2 related CREBBP activator protein; plus strand). Cytogenetic location: 16p11.2.
Variant type: single nucleotide variant.
Coding change: c.7616C>T on transcript NM_006662.3 (MANE Select); coding-DNA position 7616, C replaced by T.
Protein change: p.Ser2539Leu; replaces serine 2539 with leucine.
Molecular consequence: missense variant.
Genome position (GRCh38, 1-based): chr16:30,737,656, C>T. VCF-style: chr16-30737656-C-T. GRCh37 (hg19) VCF-style: chr16-30748977-C-T.
Other names: short protein forms S2539L.
Identifiers: ClinVar variation 3367026 (VCV003367026.1).
Genomic context (GRCh38, chr16:30,737,656, plus strand): 5'-GTCTTGTAACTCCTTCCTCTCCTCTCTTGCTTGGTCCACCTTCTGTGCCCATCTCTGCCT[C>T]AGTCACTAATCTCCCCTTGGGCTTGAGGCCTGAGGCAGAGCTGTGTGCCCAGGCATTGGC-3'
Protein context (NP_006653.2, residues 2529-2549): LGPPSVPISA[Ser2539Leu]VTNLPLGLRP